The following is an entry in ClinVar:

NM_015346.4(ZFYVE26):c.6659T>A (p.Leu2220Ter)

Gene: ZFYVE26 (zinc finger FYVE-type containing 26; minus strand). Cytogenetic location: 14q24.1.
Variant type: single nucleotide variant.
Coding change: c.6659T>A on transcript NM_015346.4 (MANE Select); coding-DNA position 6659, T replaced by A.
Protein change: p.Leu2220Ter; replaces leucine 2220 with a stop codon.
Molecular consequence: nonsense.
Genome position (GRCh38, 1-based): chr14:67,756,075, A>T on the plus strand (T>A on the coding strand, the complement: ZFYVE26 is on the minus strand). VCF-style: chr14-67756075-A-T. GRCh37 (hg19) VCF-style: chr14-68222792-A-T.
Other names: short protein forms L2220*.
Identifiers: ClinVar variation 1724708 (VCV001724708.2), dbSNP rs2503944736, ClinGen allele CA390161778.

ClinVar aggregate classification (germline): Likely pathogenic (1 of 4 stars; one submission).

Conditions:
Hereditary spastic paraplegia 15 (SPG15). Also called: SPASTIC PARAPLEGIA 15, AUTOSOMAL RECESSIVE; KJELLIN SYNDROME; SPASTIC PARAPLEGIA AND RETINAL DEGENERATION. Identifiers: Orphanet 100996, MedGen C1849128, MONDO:0010044, OMIM 270700.

Submission:

Myriad Genetics, Inc.
Classification: Likely pathogenic for Hereditary spastic paraplegia 15. Last evaluated: 2022-02-25. Review status: criteria provided, single submitter. Criteria: Myriad Women's Health Autosomal Recessive and X-Linked Classification Criteria (2021). Collection method: clinical testing. Allele origin: unknown.
Comment: NM_015346.3(ZFYVE26):c.6659T>A(L2220*) is expected to be pathogenic in the context of spastic paraplegia type 15. This variant is predicted to lead to an abnormal or absent protein product due to the creation of a premature termination codon in ZFYVE26, a gene where loss-of-function variants are known to be pathogenic. Please note: this variant was assessed in the context of healthy population screening.